The following is an entry in ClinVar:

ClinVar aggregate classification (germline): Likely benign. Review status: criteria provided, single submitter (1 of 4 stars). 2 submissions from 2 submitters: Likely benign (1). 1 of the submissions does not count toward it. Last evaluated 2025-05-05.

Conditions:
HMCN1-related disorder. Also called: HMCN1-related condition.

Allele frequency attached by ClinVar (database versions not stated): ExAC 0.00002; TOPMed 0.00003; gnomAD 0.00004; gnomAD exomes 0.00005.
gnomAD v4.1: 82 of 1,613,304 alleles (0.0051%); highest among the groups gnomAD compares: Non-Finnish European, 0.0066%; no homozygotes.

Submissions (2):

Labcorp Genetics (formerly Invitae), Labcorp
Classification: Likely benign. Last evaluated: 2025-05-05. Review status: criteria provided, single submitter. Criteria: Invitae Variant Classification Sherloc (09022015). Collection method: clinical testing. Allele origin: germline.

PreventionGenetics, part of Exact Sciences
Classification: Likely benign for HMCN1-related condition. Last evaluated: 2019-03-25. Review status: no assertion criteria provided. Collection method: clinical testing. Allele origin: germline. Not counted in ClinVar's aggregate classification.
Comment: This variant is classified as likely benign based on ACMG/AMP sequence variant interpretation guidelines (Richards et al. 2015 PMID: 25741868, with internal and published modifications).

NM_031935.3(HMCN1):c.10140A>G (p.Gly3380=)

Gene: HMCN1 (hemicentin 1; plus strand). Cytogenetic location: 1q31.1.
Variant type: single nucleotide variant.
Coding change: c.10140A>G on transcript NM_031935.3 (MANE Select); coding-DNA position 10140, A replaced by G.
Protein change: p.Gly3380=; no amino-acid change (glycine 3380 retained).
Molecular consequence: synonymous variant.
Genome position (GRCh38, 1-based): chr1:186,093,613, A>G. VCF-style: chr1-186093613-A-G. GRCh37 (hg19) VCF-style: chr1-186062745-A-G.
Other names: c.10140A>G (NM_031935.2).
Identifiers: ClinVar variation 2167451 (VCV002167451.6), dbSNP rs781089412, ClinGen allele CA1293647.
Genomic context (GRCh38, chr1:186,093,613, plus strand): 5'-AAATATTGAATGCAGAGCCACAGGGACGCCTCCACCACAGATAAACTGGCTGAAGAATGG[A>G]CTTCCTCTGCCTCTCTCCTCCCATATCCGGTTACTGGCAGCAGGACAAGTTATCAGGTCA-3'
Protein context (NP_114141.2, residues 3370-3390): PPPQINWLKN[Gly3380=]LPLPLSSHIR